The following is an entry in ClinVar:

NM_000492.4(CFTR):c.2089del (p.Arg697fs)

Gene: CFTR (CF transmembrane conductance regulator; plus strand). Cytogenetic location: 7q31.2.
Variant type: Deletion.
Coding change: c.2089del on transcript NM_000492.4 (MANE Select); coding-DNA position 2089, one base deleted (A; older notation c.2089delA).
Protein change: p.Arg697fs; shifts the reading frame from arginine 697.
Molecular consequence: frameshift variant.
Genome position (GRCh38, 1-based): chr7:117,592,256, A deleted; the last of 6 consecutive A bases (chr7:117,592,251-117,592,256); deleting any one gives the same sequence. VCF-style (leftmost placement, unchanged base first): chr7-117592250-GA-G. GRCh37 (hg19) VCF-style: chr7-117232304-GA-G.
Other names: c.2089delA (NM_000492.4); short protein forms R697fs.
Identifiers: ClinVar variation 618910 (VCV000618910.10), dbSNP rs397508341, ClinGen allele CA645541503.
Genomic context (GRCh38, chr7:117,592,250, plus strand): 5'-GCTCCTGTCTCCTGGACAGAAACAAAAAAACAATCTTTTAAACAGACTGGAGAGTTTGGG[GA>G]AAAAAGGAAGAATTCTATTCTCAATCCAATCAACTCTATACGAAAATTTTCCATTGTGCA-3'

ClinVar aggregate classification (germline): Pathogenic/Likely pathogenic. Review status: criteria provided, multiple submitters, no conflicts (2 of 4 stars). 5 submissions from 5 submitters: Pathogenic (4); Likely pathogenic (1). Last evaluated 2025-08-05.

Conditions:
Cystic fibrosis (CF). Also called: MUCOVISCIDOSIS. Identifiers: Orphanet 586, MedGen C0010674, MONDO:0009061, OMIM 219700. Disease mechanism: loss of function.
CFTR-related disorder (CFTR-RD). Also called: CFTR-related disorders; CFTR-related condition. Identifiers: MedGen C5924204, MONDO:7770004.

Submissions (5):

Natera, Inc.
Classification: Likely pathogenic for CFTR-related disorders. Last evaluated: 2025-08-05. Review status: criteria provided, single submitter. Criteria: Natera Variant Classification Schema (03/2026). Collection method: clinical testing. Allele origin: germline.
Comment: The c.2089delA variant in CFTR is a frameshift variant predicted to shift the reading frame beginning at codon 697 and leads to a stop codon 25 codons downstream. This variant is expected to result in nonsense mediated decay, truncation, or a dysfunctional protein product. This variant is rare in the general population with a frequency below the threshold expected for the associated phenotype(s). Given the available evidence, this variant is classified as Likely Pathogenic.

Women's Health and Genetics/Laboratory Corporation of America, LabCorp
Classification: Pathogenic for Cystic fibrosis. Last evaluated: 2024-01-22. Review status: criteria provided, single submitter. Criteria: LabCorp Variant Classification Summary - May 2015. Collection method: clinical testing. Allele origin: germline.
Comment: Variant summary: CFTR c.2089delA (p.Arg697GlyfsX25) results in a premature termination codon, predicted to cause a truncation of the encoded protein or absence of the protein due to nonsense mediated decay, which are commonly known mechanisms for disease. The variant was absent in 249052 control chromosomes. c.2089delA has been reported in the literature in individuals affected with Cystic Fibrosis (da Silva Filho_2021). To our knowledge, no experimental evidence demonstrating an impact on protein function has been reported. The following publication have been ascertained in the context of this evaluation (PMID: 32819855). ClinVar contains an entry for this variant (Variation ID: 618910). Based on the evidence outlined above, the variant was classified as pathogenic.

Labcorp Genetics (formerly Invitae), Labcorp
Classification: Pathogenic for Cystic fibrosis. Last evaluated: 2022-01-03. Review status: criteria provided, single submitter. Criteria: Invitae Variant Classification Sherloc (09022015). Collection method: clinical testing. Allele origin: germline.
Comment: For these reasons, this variant has been classified as Pathogenic. ClinVar contains an entry for this variant (Variation ID: 618910). This variant has not been reported in the literature in individuals affected with CFTR-related conditions. This variant is not present in population databases (gnomAD no frequency). This sequence change creates a premature translational stop signal (p.Arg697Glyfs*25) in the CFTR gene. It is expected to result in an absent or disrupted protein product. Loss-of-function variants in CFTR are known to be pathogenic (PMID: 1695717, 7691345, 9725922).

Mendelics
Classification: Pathogenic for Cystic fibrosis. Last evaluated: 2018-11-05. Review status: criteria provided, single submitter. Criteria: Mendelics Assertion Criteria 2017. Collection method: clinical testing. Allele origin: unknown. Affected: yes.

Ambry Genetics
Classification: Pathogenic for Cystic fibrosis. Last evaluated: 2015-11-11. Review status: criteria provided, single submitter. Criteria: Ambry Variant Classification Scheme 2023. Collection method: clinical testing. Allele origin: germline.
Comment: The c.2089delA pathogenic mutation, located in coding exon 14 of the CFTR gene, results from a deletion of one nucleotide at nucleotide position 2089, causing a translational frameshift with a predicted alternate stop codon (p.R697GFS*25). Since frameshifts are typically deleterious in nature, this alteration is interpreted as a disease-causing mutation (ACMG Recommendations for Standards for Interpretation and Reporting of Sequence Variations. Revision 2007. Genet Med. 2008;10:294).

Literature cited by the submitters: PubMed 32819855 (cited by Women's Health and Genetics/Laboratory Corporation of America, LabCorp); PubMed 1695717 (cited by Labcorp Genetics (formerly Invitae), Labcorp); PubMed 7691345 (cited by Labcorp Genetics (formerly Invitae), Labcorp); PubMed 9725922 (cited by Labcorp Genetics (formerly Invitae), Labcorp).